The following is an entry in ClinVar:

ClinVar aggregate classification (germline): Uncertain significance (1 of 4 stars; one submission).

Conditions:
Acrocallosal syndrome (ACLS). Also called: Schinzel syndrome 1; Absence of corpus callosum with unusual facial appearance, mental deficiency, duplication of the halluces and polydactyly; HALLUX DUPLICATION, POSTAXIAL POLYDACTYLY, AND ABSENCE OF CORPUS CALLOSUM. Identifiers: Orphanet 36, MedGen C0796147, MONDO:0008708, OMIM 200990.

Submission:

Labcorp Genetics (formerly Invitae), Labcorp
Classification: Uncertain significance for Acrocallosal syndrome. Last evaluated: 2019-04-24. Review status: criteria provided, single submitter. Criteria: Invitae Variant Classification Sherloc (09022015). Collection method: clinical testing. Allele origin: germline.
Comment: This sequence change replaces arginine with glutamine at codon 358 of the KIF7 protein (p.Arg358Gln). The arginine residue is weakly conserved and there is a small physicochemical difference between arginine and glutamine. In summary, the available evidence is currently insufficient to determine the role of this variant in disease. Therefore, it has been classified as a Variant of Uncertain Significance. Algorithms developed to predict the effect of sequence changes on RNA splicing suggest that this variant may create or strengthen a splice site, but this prediction has not been confirmed by published transcriptional studies. Algorithms developed to predict the effect of missense changes on protein structure and function are either unavailable or do not agree on the potential impact of this missense change (SIFT: "Deleterious"; PolyPhen-2: "Benign"; Align-GVGD: "Class C0"). This variant has not been reported in the literature in individuals with KIF7-related conditions. This variant is not present in population databases (ExAC no frequency).

NM_198525.3(KIF7):c.1073G>A (p.Arg358Gln)

Gene: KIF7 (kinesin family member 7; minus strand). Cytogenetic location: 15q26.1.
Variant type: single nucleotide variant.
Coding change: c.1073G>A on transcript NM_198525.3 (MANE Select); coding-DNA position 1073, G replaced by A.
Protein change: p.Arg358Gln; replaces arginine 358 with glutamine.
Molecular consequence: missense variant.
Genome position (GRCh38, 1-based): chr15:89,648,625, C>T on the plus strand (G>A on the coding strand, the complement: KIF7 is on the minus strand). VCF-style: chr15-89648625-C-T. GRCh37 (hg19) VCF-style: chr15-90191856-C-T.
Other names: short protein forms R358Q.
Identifiers: ClinVar variation 948382 (VCV000948382.9), dbSNP rs1964064208, ClinGen allele CA393772715.
Genomic context (GRCh38, chr15:89,648,625, plus strand): 5'-TGCCGTGGCGGACCCCGCGCGCCGCTCGCCGTCTCTTCGGGTGGCCGCTCGGCCTCGGGC[C>T]GCCAGTTGACCGTGGCGCGGTTGCGGATGTTCTGGGCGCGGCTGGCGTAGTTGAGGGTGT-3'
Protein context (NP_940927.2, residues 348-368): NIRNRATVNW[Arg358Gln]PEAERPPEET